The following is an entry in ClinVar:

NM_016239.4(MYO15A):c.4321-2A>G

Gene: MYO15A (myosin XVA; plus strand). Cytogenetic location: 17p11.2.
Variant type: single nucleotide variant.
Coding change: c.4321-2A>G on transcript NM_016239.4 (MANE Select); the canonical splice acceptor site of the intron before coding-DNA position 4321, A replaced by G.
Molecular consequence: splice acceptor variant.
Genome position (GRCh38, 1-based): chr17:18,133,223, A>G. VCF-style: chr17-18133223-A-G. GRCh37 (hg19) VCF-style: chr17-18036537-A-G.
Identifiers: ClinVar variation 3653341 (VCV003653341.2).

ClinVar aggregate classification (germline): Likely pathogenic (1 of 4 stars; one submission).

gnomAD v4.1: 2 of 1,613,944 alleles (0.00012%); highest among the groups gnomAD compares: Non-Finnish European, 0.00017%; no homozygotes.

Submission:

Labcorp Genetics (formerly Invitae), Labcorp
Classification: Likely pathogenic. Last evaluated: 2024-09-10. Review status: criteria provided, single submitter. Criteria: Invitae Variant Classification Sherloc (09022015). Collection method: clinical testing. Allele origin: germline.
Comment: This sequence change affects an acceptor splice site in intron 11 of the MYO15A gene. It is expected to disrupt RNA splicing. Variants that disrupt the donor or acceptor splice site typically lead to a loss of protein function (PMID: 16199547), and loss-of-function variants in MYO15A are known to be pathogenic (PMID: 17546645). This variant is not present in population databases (gnomAD no frequency). Disruption of this splice site has been observed in individual(s) with deafness (internal data). Algorithms developed to predict the effect of sequence changes on RNA splicing suggest that this variant may disrupt the consensus splice site. In summary, the currently available evidence indicates that the variant is pathogenic, but additional data are needed to prove that conclusively. Therefore, this variant has been classified as Likely Pathogenic.

Literature cited by the submitters: PubMed 16199547; PubMed 17546645.